The following is an entry in ClinVar:

NM_017950.4(CCDC40):c.1603G>A (p.Glu535Lys)

Gene: CCDC40 (coiled-coil domain 40 molecular ruler complex subunit; plus strand). Cytogenetic location: 17q25.3.
Variant type: single nucleotide variant.
Coding change: c.1603G>A on transcript NM_017950.4 (MANE Select); coding-DNA position 1603, G replaced by A.
Protein change: p.Glu535Lys; replaces glutamic acid 535 with lysine.
Molecular consequence: missense variant.
Genome position (GRCh38, 1-based): chr17:80,081,586, G>A. VCF-style: chr17-80081586-G-A. GRCh37 (hg19) VCF-style: chr17-78055385-G-A.
Other names: c.1603G>A, p.Glu535Lys (NM_001243342.2); short protein forms E535K.
Identifiers: ClinVar variation 839175 (VCV000839175.10), dbSNP rs201164121, ClinGen allele CA8813984.

ClinVar aggregate classification (germline): Uncertain significance (1 of 4 stars; one submission).

Conditions:
Primary ciliary dyskinesia. Also called: Ciliary dyskinesia. Identifiers: Orphanet 244, MedGen C0008780, MONDO:0016575, HP:0012265.

Allele frequency attached by ClinVar (database versions not stated): gnomAD exomes below 0.00001 and 0.00001; gnomAD 0.00001; ExAC 0.00002; 1000 Genomes Project 30x 0.00016; 1000 Genomes Project 0.00020.
gnomAD v4.1: 4 of 1,613,950 alleles (0.00025%); highest among the groups gnomAD compares: Admixed American, 0.0017%; no homozygotes.

Submission:

Labcorp Genetics (formerly Invitae), Labcorp
Classification: Uncertain significance for Primary ciliary dyskinesia. Last evaluated: 2019-02-08. Review status: criteria provided, single submitter. Criteria: Invitae Variant Classification Sherloc (09022015). Collection method: clinical testing. Allele origin: germline.
Comment: In summary, the available evidence is currently insufficient to determine the role of this variant in disease. Therefore, it has been classified as a Variant of Uncertain Significance. Algorithms developed to predict the effect of missense changes on protein structure and function are either unavailable or do not agree on the potential impact of this missense change (SIFT: "Tolerated"; PolyPhen-2: "Possibly Damaging"; Align-GVGD: "Class C0"). This variant has not been reported in the literature in individuals with CCDC40-related conditions. This variant is present in population databases (rs201164121, ExAC 0.003%). This sequence change replaces glutamic acid with lysine at codon 535 of the CCDC40 protein (p.Glu535Lys). The glutamic acid residue is moderately conserved and there is a small physicochemical difference between glutamic acid and lysine.